The following is an entry in ClinVar:

NM_198689.3(KRTAP10-7):c.246C>G (p.Thr82=)

Genes: KRTAP10-7 (keratin associated protein 10-7; plus strand), TSPEAR (thrombospondin type laminin G domain and EAR repeats; minus strand). Cytogenetic location: 21q22.3.
Variant type: single nucleotide variant.
Coding change: c.246C>G on transcript NM_198689.3 (MANE Select); coding-DNA position 246, C replaced by G.
Protein change: p.Thr82=; no amino-acid change (threonine 82 retained).
Molecular consequence: synonymous variant. On other transcripts: intron variant (2).
Genome position (GRCh38, 1-based): chr21:44,600,867, C>G. VCF-style: chr21-44600867-C-G. GRCh37 (hg19) VCF-style: chr21-46020782-C-G.
Other names: c.83-32862G>C (NM_144991.3); c.-122-32862G>C (NM_001272037.2).
Identifiers: ClinVar variation 2652770 (VCV002652770.24), dbSNP rs376272845, ClinGen allele CA10059470.

ClinVar aggregate classification (germline): Likely benign (1 of 4 stars; one submission).

Allele frequency attached by ClinVar (database versions not stated): ExAC 0.00025; gnomAD exomes 0.00034; TOPMed 0.00040; ESP Exome Variant Server 0.00041; gnomAD 0.00046.
gnomAD v4.1: 574 of 1,610,724 alleles (0.036%); highest among the groups gnomAD compares: Middle Eastern, 0.092%; no homozygotes.

Submission:

CeGaT Center for Human Genetics Tuebingen
Classification: Likely benign. Last evaluated: 2022-09-01. Review status: criteria provided, single submitter. Criteria: CeGaT Center For Human Genetics Tuebingen Variant Classification Criteria Version 2. Collection method: clinical testing. Allele origin: germline. Affected: yes. Observed: 1 variant allele.
Comment: KRTAP10-7: BP4, BP7